The following is an entry in ClinVar:

NM_001128425.2(MUTYH):c.36+7T>C

Genes: MUTYH (mutY DNA glycosylase; minus strand), TOE1 (target of EGR1, exonuclease; plus strand). Cytogenetic location: 1p34.1.
Variant type: single nucleotide variant.
Coding change: c.36+7T>C on transcript NM_001128425.2 (MANE Plus Clinical); 7 bases into the intron after coding-DNA position 36, T replaced by C.
Molecular consequence: intron variant. On other transcripts: 5 prime UTR variant (3).
Genome position (GRCh38, 1-based): chr1:45,340,212, A>G on the plus strand (T>C on the coding strand, the complement: MUTYH is on the minus strand). VCF-style: chr1-45340212-A-G. GRCh37 (hg19) VCF-style: chr1-45805884-A-G.
Other names: c.-41A>G (NM_025077.4); c.-16T>C (NM_001407070.1, NM_001407071.1); c.-7+11T>C (NM_001407072.1); c.-214+7T>C (NM_001350651.2); c.-219+7T>C (NM_001293192.2); c.-278+7T>C (NM_001350650.2); c.36+7T>C (NM_001407073.1, NM_001293190.2, NM_001407069.1 and 1 more transcripts); c.-7+7T>C (NM_001048171.2).
Identifiers: ClinVar variation 492037 (VCV000492037.16), dbSNP rs1211077933, ClinGen allele CA522562455.

ClinVar aggregate classification (germline): Likely benign. Review status: criteria provided, multiple submitters, no conflicts (2 of 4 stars). 3 submissions from 3 submitters: Likely benign (2). 1 of the submissions does not count toward it. Last evaluated 2025-07-22.

Conditions:
MUTYH-related disorder. Also called: MUTYH-related condition; MUTYH-related disorders.
Hereditary cancer-predisposing syndrome. Also called: Hereditary Cancer Syndrome; Neoplastic Syndromes, Hereditary; Tumor predisposition; Hereditary neoplastic syndrome. Identifiers: Orphanet 140162, MedGen C0027672, MeSH D009386, MONDO:0015356.
Familial adenomatous polyposis 2. Also called: Adenomas, multiple colorectal; COLORECTAL ADENOMATOUS POLYPOSIS, AUTOSOMAL RECESSIVE; MYH-associated polyposis; FAP type 2; MUTYH-associated polyposis; MUTYH-related attenuated familial adenomatous polyposis. Identifiers: Orphanet 220460, Orphanet 247798, MedGen C3272841, MONDO:0012041, OMIM 608456.

Allele frequency attached by ClinVar (database versions not stated): TOPMed 0.00001; gnomAD 0.00005.
gnomAD v4.1: 12 of 1,613,634 alleles (0.00074%); highest among the groups gnomAD compares: Admixed American, 0.02%; no homozygotes.

Submissions (3):

Labcorp Genetics (formerly Invitae), Labcorp
Classification: Likely benign for Familial adenomatous polyposis 2. Last evaluated: 2025-07-22. Review status: criteria provided, single submitter. Criteria: Invitae Variant Classification Sherloc (09022015). Collection method: clinical testing. Allele origin: germline.

Color Diagnostics, LLC DBA Color Health
Classification: Likely benign for Hereditary cancer-predisposing syndrome. Last evaluated: 2017-04-30. Review status: criteria provided, single submitter. Criteria: ACMG Guidelines, 2015. Collection method: clinical testing. Allele origin: germline.

PreventionGenetics, part of Exact Sciences
Classification: Likely benign for MUTYH-related condition. Last evaluated: 2022-04-11. Review status: no assertion criteria provided. Collection method: clinical testing. Allele origin: germline. Not counted in ClinVar's aggregate classification.
Comment: This variant is classified as likely benign based on ACMG/AMP sequence variant interpretation guidelines (Richards et al. 2015 PMID: 25741868, with internal and published modifications).